The following is an entry in ClinVar:

NM_001365999.1(SZT2):c.5720C>T (p.Ser1907Leu)

Gene: SZT2 (SZT2 subunit of KICSTOR complex; plus strand). Cytogenetic location: 1p34.2.
Variant type: single nucleotide variant.
Coding change: c.5720C>T on transcript NM_001365999.1 (MANE Select); coding-DNA position 5720, C replaced by T.
Protein change: p.Ser1907Leu; replaces serine 1907 with leucine.
Molecular consequence: missense variant.
Genome position (GRCh38, 1-based): chr1:43,433,106, C>T. VCF-style: chr1-43433106-C-T. GRCh37 (hg19) VCF-style: chr1-43898777-C-T.
Other names: c.5549C>T, p.Ser1850Leu (NM_015284.4); short protein forms S1850L, S1907L.
Identifiers: ClinVar variation 1350206 (VCV001350206.8), dbSNP rs773776840, ClinGen allele CA809677.

ClinVar aggregate classification (germline): Uncertain significance. Review status: criteria provided, multiple submitters, no conflicts (2 of 4 stars). 3 submissions from 3 submitters: Uncertain significance (3). Last evaluated 2024-02-24.

Conditions:
Developmental and epileptic encephalopathy, 18 (DEE18). Also called: Early infantile epileptic encephalopathy 18. Identifiers: Orphanet 369894, MedGen C3809624, MONDO:0014201, OMIM 615476.

Allele frequency attached by ClinVar (database versions not stated): gnomAD exomes below 0.00001 and 0.00001; TOPMed below 0.00001; ExAC 0.00001.
gnomAD v4.1: 5 of 1,614,202 alleles (0.00031%); highest among the groups gnomAD compares: Non-Finnish European, 0.00042%; no homozygotes.

Submissions (3):

Labcorp Genetics (formerly Invitae), Labcorp
Classification: Uncertain significance. Last evaluated: 2024-02-24. Review status: criteria provided, single submitter. Criteria: Invitae Variant Classification Sherloc (09022015). Collection method: clinical testing. Allele origin: germline.
Comment: This sequence change replaces serine, which is neutral and polar, with leucine, which is neutral and non-polar, at codon 1850 of the SZT2 protein (p.Ser1850Leu). This variant is present in population databases (rs773776840, gnomAD 0.002%). This variant has not been reported in the literature in individuals affected with SZT2-related conditions. ClinVar contains an entry for this variant (Variation ID: 1350206). An algorithm developed to predict the effect of missense changes on protein structure and function (PolyPhen-2) suggests that this variant is likely to be tolerated. In summary, the available evidence is currently insufficient to determine the role of this variant in disease. Therefore, it has been classified as a Variant of Uncertain Significance.

Genome-Nilou Lab
Classification: Uncertain significance for Developmental and epileptic encephalopathy, 18. Last evaluated: 2023-04-11. Review status: criteria provided, single submitter. Criteria: ACMG Guidelines, 2015. Collection method: clinical testing. Allele origin: germline. Affected: no.

GeneDx
Classification: Uncertain significance. Last evaluated: 2022-05-07. Review status: criteria provided, single submitter. Criteria: GeneDx Variant Classification Process June 2021. Collection method: clinical testing. Allele origin: germline. Affected: yes.
Comment: Not observed at significant frequency in large population cohorts (gnomAD); In silico analysis supports that this missense variant does not alter protein structure/function; Has not been previously published as pathogenic or benign to our knowledge